The following is an entry in ClinVar:

ClinVar aggregate classification (germline): Uncertain significance (1 of 4 stars; one submission).

gnomAD v4.1: 3 of 1,614,004 alleles (0.00019%); highest among the groups gnomAD compares: African/African-American, 0.0027%; no homozygotes.

Submission:

Labcorp Genetics (formerly Invitae), Labcorp
Classification: Uncertain significance. Last evaluated: 2025-01-22. Review status: criteria provided, single submitter. Criteria: Invitae Variant Classification Sherloc (09022015). Collection method: clinical testing. Allele origin: germline.
Comment: This sequence change creates a premature translational stop signal (p.Leu853*) in the KIF20A gene. While this is not anticipated to result in nonsense mediated decay, it is expected to disrupt the last 38 amino acid(s) of the KIF20A protein. This variant is present in population databases (rs779155766, gnomAD 0.01%). This variant has not been reported in the literature in individuals affected with KIF20A-related conditions. Experimental studies and prediction algorithms are not available or were not evaluated, and the functional significance of this variant is currently unknown. In summary, the available evidence is currently insufficient to determine the role of this variant in disease. Therefore, it has been classified as a Variant of Uncertain Significance.

NM_005733.3(KIF20A):c.2558T>G (p.Leu853Ter)

Gene: KIF20A (kinesin family member 20A; plus strand). Cytogenetic location: 5q31.2.
Variant type: single nucleotide variant.
Coding change: c.2558T>G on transcript NM_005733.3 (MANE Select); coding-DNA position 2558, T replaced by G.
Protein change: p.Leu853Ter; replaces leucine 853 with a stop codon.
Molecular consequence: nonsense.
Genome position (GRCh38, 1-based): chr5:138,187,298, T>G. VCF-style: chr5-138187298-T-G. GRCh37 (hg19) VCF-style: chr5-137522987-T-G.
Other names: short protein forms L853*.
Identifiers: ClinVar variation 3604143 (VCV003604143.2).